The following is an entry in ClinVar:

ClinVar aggregate classification (germline): Uncertain significance. Review status: criteria provided, multiple submitters, no conflicts (2 of 4 stars). 3 submissions from 3 submitters: Uncertain significance (3). Last evaluated 2022-06-20.

Conditions:
Lissencephaly 8 (LIS8). Identifiers: MedGen C4310646, MONDO:0014992, OMIM 617255.
Inborn genetic diseases. Identifiers: MedGen C0950123, MeSH D030342.

Allele frequency attached by ClinVar (database versions not stated): gnomAD exomes below 0.00001; ExAC 0.00001; gnomAD 0.00006; TOPMed 0.00006; 1000 Genomes Project 30x 0.00016; 1000 Genomes Project 0.00020.
gnomAD v4.1: 11 of 1,612,486 alleles (0.00068%); highest among the groups gnomAD compares: African/African-American, 0.013%; no homozygotes.

Submissions (3):

Labcorp Genetics (formerly Invitae), Labcorp
Classification: Uncertain significance. Last evaluated: 2022-06-20. Review status: criteria provided, single submitter. Criteria: Invitae Variant Classification Sherloc (09022015). Collection method: clinical testing. Allele origin: germline.
Comment: This sequence change replaces glutamic acid, which is acidic and polar, with alanine, which is neutral and non-polar, at codon 463 of the TMTC3 protein (p.Glu463Ala). This variant is present in population databases (rs551907406, gnomAD 0.02%). This variant has not been reported in the literature in individuals affected with TMTC3-related conditions. Algorithms developed to predict the effect of missense changes on protein structure and function (SIFT, PolyPhen-2, Align-GVGD) all suggest that this variant is likely to be tolerated. In summary, the available evidence is currently insufficient to determine the role of this variant in disease. Therefore, it has been classified as a Variant of Uncertain Significance.

Ambry Genetics
Classification: Uncertain significance for Inborn genetic diseases. Last evaluated: 2021-10-29. Review status: criteria provided, single submitter. Criteria: Ambry Variant Classification Scheme 2023. Collection method: clinical testing. Allele origin: germline.

Revvity Omics, Revvity
Classification: Uncertain significance for Lissencephaly 8. Last evaluated: 2019-07-10. Review status: criteria provided, single submitter. Criteria: ACMG Guidelines, 2015. Collection method: clinical testing. Allele origin: germline.

NM_181783.4(TMTC3):c.1388A>C (p.Glu463Ala)

Gene: TMTC3 (transmembrane O-mannosyltransferase targeting cadherins 3; plus strand). Cytogenetic location: 12q21.32.
Variant type: single nucleotide variant.
Coding change: c.1388A>C on transcript NM_181783.4 (MANE Select); coding-DNA position 1388, A replaced by C.
Protein change: p.Glu463Ala; replaces glutamic acid 463 with alanine.
Molecular consequence: missense variant. On other transcripts: non-coding transcript variant (1).
Genome position (GRCh38, 1-based): chr12:88,176,275, A>C. VCF-style: chr12-88176275-A-C. GRCh37 (hg19) VCF-style: chr12-88570052-A-C.
Other names: c.1208A>C, p.Glu403Ala (NM_001366574.1); c.1169A>C, p.Glu390Ala (NM_001366579.1); c.1121A>C, p.Glu374Ala (NM_001366580.1); c.695A>C, p.Glu232Ala (NM_001366583.1); short protein forms E374A, E232A, E463A, E403A, E390A.
Identifiers: ClinVar variation 1925664 (VCV001925664.6), dbSNP rs551907406, ClinGen allele CA6713279.